The following is an entry in ClinVar:

ClinVar aggregate classification (germline): Likely benign. Review status: criteria provided, multiple submitters, no conflicts (2 of 4 stars). 2 submissions from 2 submitters: Likely benign (2). Last evaluated 2025-08-12.

Conditions:
Developmental and epileptic encephalopathy, 42 (DEE42A). Also called: Epileptic encephalopathy, early infantile, 42; DEVELOPMENTAL AND EPILEPTIC ENCEPHALOPATHY 42A; EPILEPTIC ENCEPHALOPATHY, EARLY INFANTILE, 42A. Identifiers: MedGen C4310716, MONDO:0014917, OMIM 617106.
Episodic ataxia type 2 (EA2). Also called: ATAXIA, EPISODIC, WITH NYSTAGMUS; ATAXIA, FAMILIAL PAROXYSMAL; CEREBELLAR ATAXIA, PAROXYSMAL, ACETAZOLAMIDE-RESPONSIVE; CEREBELLOPATHY, HEREDITARY PAROXYSMAL; EPISODIC ATAXIA, NYSTAGMUS-ASSOCIATED; ACETAZOLAMIDE-RESPONSIVE HEREDITARY PAROXYSMAL CEREBELLAR ATAXIA. Identifiers: Orphanet 97, MedGen C1720416, MONDO:0007163, OMIM 108500.

Allele frequency attached by ClinVar (database versions not stated): gnomAD exomes below 0.00001; ExAC 0.00001; gnomAD 0.00003; ESP Exome Variant Server 0.00010.
gnomAD v4.1: 8 of 1,508,820 alleles (0.00053%); highest among the groups gnomAD compares: African/African-American, 0.0056%; no homozygotes.

Submissions (2):

Labcorp Genetics (formerly Invitae), Labcorp
Classification: Likely benign for Developmental and epileptic encephalopathy, 42; Episodic ataxia type 2. Last evaluated: 2025-08-12. Review status: criteria provided, single submitter. Criteria: Invitae Variant Classification Sherloc (09022015). Collection method: clinical testing. Allele origin: germline.

GeneDx
Classification: Likely benign. Last evaluated: 2017-04-18. Review status: criteria provided, single submitter. Criteria: GeneDx Variant Classification (06012015). Collection method: clinical testing. Allele origin: germline. Affected: yes.
Comment: This variant is considered likely benign or benign based on one or more of the following criteria: it is a conservative change, it occurs at a poorly conserved position in the protein, it is predicted to be benign by multiple in silico algorithms, and/or has population frequency not consistent with disease.

NM_001127222.2(CACNA1A):c.5528+1273T>C

Gene: CACNA1A (calcium voltage-gated channel subunit alpha1 A; minus strand). Cytogenetic location: 19p13.13.
Variant type: single nucleotide variant.
Coding change: c.5528+1273T>C on transcript NM_001127222.2 (MANE Select); 1273 bases into the intron after coding-DNA position 5528, T replaced by C.
Molecular consequence: intron variant.
Genome position (GRCh38, 1-based): chr19:13,228,809, A>G on the plus strand (T>C on the coding strand, the complement: CACNA1A is on the minus strand). VCF-style: chr19-13228809-A-G. GRCh37 (hg19) VCF-style: chr19-13339623-A-G.
Other names: c.5532-14T>C (NM_001127221.2); c.5537+1273T>C (NM_001174080.2); c.5546+1273T>C (NM_000068.4, NM_023035.3).
Identifiers: ClinVar variation 508953 (VCV000508953.9), dbSNP rs371000214, ClinGen allele CA9239697.